The following is an entry in ClinVar:

ClinVar aggregate classification (germline): Uncertain significance. Review status: criteria provided, multiple submitters, no conflicts (2 of 4 stars). 4 submissions from 4 submitters: Uncertain significance (4). Last evaluated 2025-03-14.

Conditions:
Nephronophthisis 11 (NPHP11). Identifiers: Orphanet 84081, MedGen C3150796, MONDO:0013302, OMIM 613550.
Bardet-Biedl syndrome 14 (BBS14). Identifiers: Orphanet 110, MedGen C2673874, MONDO:0014442, OMIM 615991.
RHYNS syndrome. Also called: RETINITIS PIGMENTOSA SYNDROME; RETINITIS PIGMENTOSA, HYPOPITUITARISM, NEPHRONOPHTHISIS, AND MILD SKELETAL DYSPLASIA. Identifiers: Orphanet 140976, MedGen C1865794, MONDO:0011202, OMIM 602152.
Meckel syndrome, type 3 (MKS3). Also called: MECKEL-GRUBER SYNDROME, TYPE 3. Identifiers: Orphanet 564, MedGen C1846357, MONDO:0011821, OMIM 607361.
Joubert syndrome 6 (JBTS6). Identifiers: Orphanet 475, MedGen C1853153, MONDO:0012539, OMIM 610688.
COACH syndrome 1. Identifiers: Orphanet 1454, MedGen C5435651, MONDO:0800103, OMIM 216360, MONDO:0008996.
TMEM67-related disorder. Also called: TMEM67-related disorders; TMEM67-related condition. Identifiers: MedGen CN239423.
Inborn genetic diseases. Identifiers: MedGen C0950123, MeSH D030342.
Meckel-Gruber syndrome. Also called: DYSENCEPHALIA SPLANCHNOCYSTICA; GRUBER SYNDROME; Dysencephalia splachnocystica. Identifiers: Orphanet 564, MedGen C0265215, MONDO:0018921.
Joubert syndrome. Also called: JOUBERT-BOLTSHAUSER SYNDROME; Familial aplasia of the vermis. Identifiers: Orphanet 475, MedGen C5979921, MONDO:0018772.

Allele frequency attached by ClinVar (database versions not stated): gnomAD 0.00001; ExAC 0.00002; gnomAD exomes 0.00003; TOPMed 0.00003; ESP Exome Variant Server 0.00015.
gnomAD v4.1: 38 of 1,598,588 alleles (0.0024%); highest among the groups gnomAD compares: African/African-American, 0.004%; no homozygotes.

Submissions (4):

PreventionGenetics, part of Exact Sciences
Classification: Uncertain significance for TMEM67-related condition. Last evaluated: 2025-03-14. Review status: criteria provided, single submitter. Criteria: ACMG Guidelines, 2015. Collection method: clinical testing. Allele origin: germline.
Comment: The TMEM67 c.2954C>T variant is predicted to result in the amino acid substitution p.Ser985Phe. To our knowledge, this variant has not been reported in the literature. This variant is reported in 0.013% of alleles in individuals of African descent in gnomAD. At this time, the clinical significance of this variant is uncertain due to the absence of conclusive functional and genetic evidence.

Fulgent Genetics
Classification: Uncertain significance for COACH syndrome 1; RHYNS syndrome; Meckel syndrome, type 3; Joubert syndrome 6; Nephronophthisis 11; Bardet-Biedl syndrome 14. Last evaluated: 2024-06-17. Review status: criteria provided, single submitter. Criteria: ACMG Guidelines, 2015. Collection method: clinical testing. Allele origin: germline.

Labcorp Genetics (formerly Invitae), Labcorp
Classification: Uncertain significance for Joubert syndrome; Meckel-Gruber syndrome. Last evaluated: 2022-03-19. Review status: criteria provided, single submitter. Criteria: Invitae Variant Classification Sherloc (09022015). Collection method: clinical testing. Allele origin: germline.
Comment: This sequence change replaces serine, which is neutral and polar, with phenylalanine, which is neutral and non-polar, at codon 985 of the TMEM67 protein (p.Ser985Phe). This variant is present in population databases (rs375047471, gnomAD 0.01%). This variant has not been reported in the literature in individuals affected with TMEM67-related conditions. Algorithms developed to predict the effect of missense changes on protein structure and function are either unavailable or do not agree on the potential impact of this missense change (SIFT: "Deleterious"; PolyPhen-2: "Possibly Damaging"; Align-GVGD: "Class C0"). In summary, the available evidence is currently insufficient to determine the role of this variant in disease. Therefore, it has been classified as a Variant of Uncertain Significance.

Ambry Genetics
Classification: Uncertain significance for Inborn genetic diseases. Last evaluated: 2021-10-26. Review status: criteria provided, single submitter. Criteria: Ambry Variant Classification Scheme 2023. Collection method: clinical testing. Allele origin: germline.

NM_153704.6(TMEM67):c.2954C>T (p.Ser985Phe)

Gene: TMEM67 (transmembrane protein 67; plus strand). Cytogenetic location: 8q22.1.
Variant type: single nucleotide variant.
Coding change: c.2954C>T on transcript NM_153704.6 (MANE Select); coding-DNA position 2954, C replaced by T.
Protein change: p.Ser985Phe; replaces serine 985 with phenylalanine.
Molecular consequence: missense variant. On other transcripts: non-coding transcript variant (1).
Genome position (GRCh38, 1-based): chr8:93,816,418, C>T. VCF-style: chr8-93816418-C-T. GRCh37 (hg19) VCF-style: chr8-94828646-C-T.
Other names: c.2954C>T (NM_153704.5); c.2711C>T, p.Ser904Phe (NM_001142301.1); short protein forms S985F, S904F.
Identifiers: ClinVar variation 1424253 (VCV001424253.7), dbSNP rs375047471, ClinGen allele CA4808443.